The following is an entry in ClinVar:

ClinVar aggregate classification (germline): Pathogenic/Likely pathogenic. Review status: criteria provided, multiple submitters, no conflicts (2 of 4 stars). 2 submissions from 2 submitters: Pathogenic (1); Likely pathogenic (1). Last evaluated 2021-11-16.

Conditions:
Hypertrophic cardiomyopathy 4. Also called: Familial hypertrophic cardiomyopathy 4. Identifiers: MedGen C1861862, MONDO:0007268, OMIM 115197.
Hypertrophic cardiomyopathy. Also called: HYPERTROPHIC MYOCARDIOPATHY. Identifiers: Orphanet 217569, MedGen C0007194, MeSH D002312, MONDO:0005045, HP:0001639.

Submissions (2):

MGZ Medical Genetics Center
Classification: Likely pathogenic for Hypertrophic cardiomyopathy 4. Last evaluated: 2021-11-16. Review status: criteria provided, single submitter. Criteria: ACMG Guidelines, 2015. Collection method: clinical testing. Allele origin: germline. Affected: yes. Observed: 1 variant allele.
Comment: ACMG criteria applied: PVS1, PM2_SUP

Labcorp Genetics (formerly Invitae), Labcorp
Classification: Pathogenic for Hypertrophic cardiomyopathy. Last evaluated: 2019-07-22. Review status: criteria provided, single submitter. Criteria: Invitae Variant Classification Sherloc (09022015). Collection method: clinical testing. Allele origin: germline.
Comment: This variant has not been reported in the literature in individuals with MYBPC3-related conditions. For these reasons, this variant has been classified as Pathogenic. Loss-of-function variants in MYBPC3 are known to be pathogenic (PMID: 19574547). This variant is not present in population databases (ExAC no frequency). This sequence change creates a premature translational stop signal (p.Ser376Argfs*8) in the MYBPC3 gene. It is expected to result in an absent or disrupted protein product.

Literature cited by the submitters: PubMed 19574547 (cited by Labcorp Genetics (formerly Invitae), Labcorp).

NM_000256.3(MYBPC3):c.1128del (p.Ser376fs)

Gene: MYBPC3 (myosin binding protein C3; minus strand). Cytogenetic location: 11p11.2.
Variant type: Deletion.
Coding change: c.1128del on transcript NM_000256.3 (MANE Select); coding-DNA position 1128, one base deleted (C; older notation c.1128delC).
Protein change: p.Ser376fs; shifts the reading frame from serine 376.
Molecular consequence: frameshift variant.
Genome position (GRCh38, 1-based): chr11:47,343,587, G deleted on the plus strand (C on the coding strand, the reverse complement: MYBPC3 is on the minus strand). VCF-style (leftmost placement, unchanged base first): chr11-47343586-TG-T. GRCh37 (hg19) VCF-style: chr11-47365137-TG-T.
Other names: short protein forms S376fs.
Identifiers: ClinVar variation 963722 (VCV000963722.9), dbSNP rs2095891398, ClinGen allele CA1139661936.